The following is an entry in ClinVar:

NM_000465.4(BARD1):c.1754T>G (p.Leu585Arg)

Gene: BARD1 (BRCA1 associated RING domain 1; minus strand). Cytogenetic location: 2q35.
Variant type: single nucleotide variant.
Coding change: c.1754T>G on transcript NM_000465.4 (MANE Select); coding-DNA position 1754, T replaced by G.
Protein change: p.Leu585Arg; replaces leucine 585 with arginine.
Molecular consequence: missense variant. On other transcripts: non-coding transcript variant (3), intron variant (1).
Genome position (GRCh38, 1-based): chr2:214,745,778, A>C on the plus strand (T>G on the coding strand, the complement: BARD1 is on the minus strand). VCF-style: chr2-214745778-A-C. GRCh37 (hg19) VCF-style: chr2-215610502-A-C.
Other names: c.1697T>G, p.Leu566Arg (NM_001282543.2); c.401T>G, p.Leu134Arg (NM_001282545.2); c.344T>G, p.Leu115Arg (NM_001282548.2); c.365-15270T>G (NM_001282549.2); short protein forms L585R, L115R, L134R, L566R.
Identifiers: ClinVar variation 233952 (VCV000233952.15), dbSNP rs786201905, ClinGen allele CA10577785.

ClinVar aggregate classification (germline): Uncertain significance. Review status: criteria provided, multiple submitters, no conflicts (2 of 4 stars). 3 submissions from 3 submitters: Uncertain significance (3). Last evaluated 2025-11-13.

Conditions:
Familial cancer of breast. Also called: BREAST CANCER, FAMILIAL; hereditary breast carcinoma; Hereditary breast cancer. Identifiers: Orphanet 227535, MedGen C0346153, MONDO:0016419, OMIM 114480. Disease mechanism: loss of function.
Hereditary cancer-predisposing syndrome. Also called: Neoplastic Syndromes, Hereditary; Tumor predisposition; Hereditary Cancer Syndrome; Hereditary neoplastic syndrome. Identifiers: Orphanet 140162, MedGen C0027672, MeSH D009386, MONDO:0015356.

Allele frequency attached by ClinVar (database versions not stated): gnomAD 0.00001.
gnomAD v4.1: 2 of 1,613,960 alleles (0.00012%); highest among the groups gnomAD compares: African/African-American, 0.0027%; no homozygotes.

Submissions (3):

Ambry Genetics
Classification: Uncertain significance for Hereditary cancer-predisposing syndrome. Last evaluated: 2025-11-13. Review status: criteria provided, single submitter. Criteria: Ambry Variant Classification Scheme 2023. Collection method: clinical testing. Allele origin: germline.
Comment: The p.L585R variant (also known as c.1754T>G), located in coding exon 8 of the BARD1 gene, results from a T to G substitution at nucleotide position 1754. The leucine at codon 585 is replaced by arginine, an amino acid with dissimilar properties. This amino acid position is highly conserved in available vertebrate species. In addition, this alteration is predicted to be deleterious by in silico analysis. Since supporting evidence is limited at this time, the clinical significance of this alteration remains unclear.

Labcorp Genetics (formerly Invitae), Labcorp
Classification: Uncertain significance for Familial cancer of breast. Last evaluated: 2025-09-03. Review status: criteria provided, single submitter. Criteria: Invitae Variant Classification Sherloc (09022015). Collection method: clinical testing. Allele origin: germline.
Comment: This sequence change replaces leucine, which is neutral and non-polar, with arginine, which is basic and polar, at codon 585 of the BARD1 protein (p.Leu585Arg). The frequency data for this variant in the population databases is considered unreliable, as metrics indicate poor data quality at this position in the gnomAD database. This variant has not been reported in the literature in individuals affected with BARD1-related conditions. ClinVar contains an entry for this variant (Variation ID: 233952). An algorithm developed to predict the effect of missense changes on protein structure and function (PolyPhen-2) suggests that this variant is likely to be disruptive. In summary, the available evidence is currently insufficient to determine the role of this variant in disease. Therefore, it has been classified as a Variant of Uncertain Significance.

GeneDx
Classification: Uncertain significance. Last evaluated: 2024-08-28. Review status: criteria provided, single submitter. Criteria: GeneDx Variant Classification Process June 2021. Collection method: clinical testing. Allele origin: germline. Affected: yes.
Comment: Not observed at significant frequency in large population cohorts (gnomAD); In silico analysis supports that this missense variant has a deleterious effect on protein structure/function; Has not been previously published as pathogenic or benign to our knowledge; This variant is associated with the following publications: (PMID: 17550235)